The following is an entry in ClinVar:

NM_014365.3(HSPB8):c.27_28delinsGG (p.Cys10Gly)

Gene: HSPB8 (heat shock protein family B (small) member 8; plus strand). Cytogenetic location: 12q24.23.
Variant type: Indel.
Coding change: c.27_28delinsGG on transcript NM_014365.3 (MANE Select); coding-DNA positions 27 to 28, CT replaced by GG.
Protein change: p.Cys10Gly; replaces cysteine 10 with glycine.
Molecular consequence: missense variant.
Genome position (GRCh38, 1-based): chr12:119,179,339-119,179,340, CT replaced by GG. VCF-style: chr12-119179339-CT-GG. GRCh37 (hg19) VCF-style: chr12-119617144-CT-GG.
Other names: short protein forms C10G.
Identifiers: ClinVar variation 3013847 (VCV003013847.3), dbSNP rs2500034352, ClinGen allele CA2740097582.

ClinVar aggregate classification (germline): Uncertain significance (1 of 4 stars; one submission).

Conditions:
Charcot-Marie-Tooth disease axonal type 2L. Also called: Charcot-Marie-Tooth Neuropathy Type 2L; CHARCOT-MARIE-TOOTH DISEASE, AXONAL, AUTOSOMAL DOMINANT, TYPE 2L; CHARCOT-MARIE-TOOTH NEUROPATHY, AXONAL, TYPE 2L. Identifiers: Orphanet 99945, MedGen C1837552, MONDO:0012096, OMIM 608673.

Submission:

Labcorp Genetics (formerly Invitae), Labcorp
Classification: Uncertain significance for Charcot-Marie-Tooth disease axonal type 2L. Last evaluated: 2024-01-28. Review status: criteria provided, single submitter. Criteria: Invitae Variant Classification Sherloc (09022015). Collection method: clinical testing. Allele origin: germline.
Comment: This sequence change replaces cysteine, which is neutral and slightly polar, with glycine, which is neutral and non-polar, at codon 10 of the HSPB8 protein (p.Cys10Gly). Information on the frequency of this variant in the gnomAD database is not available, as this variant may be reported differently in the database. This variant has not been reported in the literature in individuals affected with HSPB8-related conditions. Experimental studies and prediction algorithms are not available or were not evaluated, and the functional significance of this variant is currently unknown. In summary, the available evidence is currently insufficient to determine the role of this variant in disease. Therefore, it has been classified as a Variant of Uncertain Significance.